The following is an entry in ClinVar:

NM_004329.3(BMPR1A):c.1284T>G (p.Ala428=)

Gene: BMPR1A (bone morphogenetic protein receptor type 1A; plus strand). Cytogenetic location: 10q23.2.
Variant type: single nucleotide variant.
Coding change: c.1284T>G on transcript NM_004329.3 (MANE Select); coding-DNA position 1284, T replaced by G.
Protein change: p.Ala428=; no amino-acid change (alanine 428 retained).
Molecular consequence: synonymous variant. On other transcripts: non-coding transcript variant (3).
Genome position (GRCh38, 1-based): chr10:86,921,637, T>G. VCF-style: chr10-86921637-T-G. GRCh37 (hg19) VCF-style: chr10-88681394-T-G.
Other names: c.1359T>G, p.Ala453= (NM_001406559.1); c.1332T>G, p.Ala444= (NM_001406560.1); c.1284T>G, p.Ala428= (NM_001406561.1, NM_001406562.1, NM_001406563.1 and 19 more transcripts); c.1278T>G, p.Ala426= (NM_001406583.1); c.1200T>G, p.Ala400= (NM_001406584.1, NM_001406585.1, NM_001406586.1 and 2 more transcripts); c.942T>G, p.Ala314= (NM_001406589.1).
Identifiers: ClinVar variation 3378494 (VCV003378494.2).

ClinVar aggregate classification (germline): Benign/Likely benign. Review status: criteria provided, multiple submitters, no conflicts (2 of 4 stars). 2 submissions from 2 submitters: Benign (1); Likely benign (1). Last evaluated 2024-10-11.

Conditions:
Hereditary cancer-predisposing syndrome. Also called: Hereditary Cancer Syndrome; Tumor predisposition; Hereditary neoplastic syndrome; Neoplastic Syndromes, Hereditary. Identifiers: Orphanet 140162, MedGen C0027672, MeSH D009386, MONDO:0015356.
Juvenile polyposis syndrome (JPS). Identifiers: Orphanet 2929, MedGen C0345893, MONDO:0017380, OMIM 174900.

Submissions (2):

Ambry Genetics
Classification: Likely benign for Hereditary cancer-predisposing syndrome. Last evaluated: 2024-10-11. Review status: criteria provided, single submitter. Criteria: Ambry Variant Classification Scheme 2023. Collection method: clinical testing. Allele origin: germline.

Myriad Genetics, Inc.
Classification: Benign for Juvenile polyposis syndrome. Last evaluated: 2024-08-07. Review status: criteria provided, single submitter. Criteria: Myriad Autosomal Dominant, Autosomal Recessive and X-Linked Classification Criteria (2023). Collection method: clinical testing. Allele origin: unknown.
Comment: This variant is considered benign. This variant is a silent/synonymous amino acid change and it is not expected to impact splicing.